The following is an entry in ClinVar:

NM_147127.5(EVC2):c.584C>T (p.Thr195Ile)

Gene: EVC2 (EvC ciliary complex subunit 2; minus strand). Cytogenetic location: 4p16.2.
Variant type: single nucleotide variant.
Coding change: c.584C>T on transcript NM_147127.5 (MANE Select); coding-DNA position 584, C replaced by T.
Protein change: p.Thr195Ile; replaces threonine 195 with isoleucine.
Molecular consequence: missense variant.
Genome position (GRCh38, 1-based): chr4:5,689,279, G>A on the plus strand (C>T on the coding strand, the complement: EVC2 is on the minus strand). VCF-style: chr4-5689279-G-A. GRCh37 (hg19) VCF-style: chr4-5691006-G-A.
Other names: c.344C>T, p.Thr115Ile (NM_001166136.2); short protein forms T115I, T195I.
Identifiers: ClinVar variation 3761464 (VCV003761464.1).
Genomic context (GRCh38, chr4:5,689,279, plus strand): 5'-CAAATGGTGAGACCAGCAATGCTGTCCAGCAAGAGCAGCTCCGAGAGGTTGGCTGACGAG[G>A]TTGTCTTGGTGTTGTTAACAAGCAGCCATATGCGGGCTGTCTGTGCTTCACTCGACCCAG-3'
Protein context (NP_667338.3, residues 185-205): IWLLVNNTKT[Thr195Ile]SSANLSELLL

ClinVar aggregate classification (germline): Uncertain significance (1 of 4 stars; one submission).

Conditions:
Curry-Hall syndrome (WAD). Also called: WEYERS ACRODENTAL DYSOSTOSIS. Identifiers: Orphanet 952, MedGen C0457013, MONDO:0008673, OMIM 193530.
Ellis-van Creveld syndrome (EVC). Also called: EVC-Related Ellis-van Creveld Syndrome; EVC2-Related Ellis-van Creveld Syndrome; MESOECTODERMAL DYSPLASIA; Chondroectodermal dysplasia. Identifiers: Orphanet 289, MedGen C0013903, MONDO:0009162, OMIM 225500.

gnomAD v4.1: 71 of 1,614,206 alleles (0.0044%); highest among the groups gnomAD compares: Non-Finnish European, 0.0058%; no homozygotes.

Submission:

Labcorp Genetics (formerly Invitae), Labcorp
Classification: Uncertain significance for Curry-Hall syndrome; Ellis-van Creveld syndrome. Last evaluated: 2024-09-29. Review status: criteria provided, single submitter. Criteria: Invitae Variant Classification Sherloc (09022015). Collection method: clinical testing. Allele origin: germline.
Comment: This sequence change replaces threonine, which is neutral and polar, with isoleucine, which is neutral and non-polar, at codon 195 of the EVC2 protein (p.Thr195Ile). This variant is present in population databases (rs201960121, gnomAD 0.002%). This variant has not been reported in the literature in individuals affected with EVC2-related conditions. An algorithm developed to predict the effect of missense changes on protein structure and function (PolyPhen-2) suggests that this variant¬¨‚Ä†is likely to be tolerated. In summary, the available evidence is currently insufficient to determine the role of this variant in disease. Therefore, it has been classified as a Variant of Uncertain Significance.